The following is an entry in ClinVar:

ClinVar aggregate classification (germline): Uncertain significance (1 of 4 stars; one submission).

Conditions:
COG5-congenital disorder of glycosylation. Also called: CDG IIi; COG5-CDG; CONGENITAL DISORDER OF GLYCOSYLATION, TYPE IIi. Identifiers: Orphanet 263487, MedGen C3150876, MONDO:0013325, OMIM 613612.

Allele frequency attached by ClinVar (database versions not stated): gnomAD exomes below 0.00001 and 0.00001; gnomAD 0.00001; TOPMed 0.00001.

Submission:

Labcorp Genetics (formerly Invitae), Labcorp
Classification: Uncertain significance for COG5-congenital disorder of glycosylation. Last evaluated: 2022-09-06. Review status: criteria provided, single submitter. Criteria: Invitae Variant Classification Sherloc (09022015). Collection method: clinical testing. Allele origin: germline.
Comment: Algorithms developed to predict the effect of missense changes on protein structure and function are either unavailable or do not agree on the potential impact of this missense change (SIFT: "Deleterious"; PolyPhen-2: "Probably Damaging"; Align-GVGD: "Class C0"). In summary, the available evidence is currently insufficient to determine the role of this variant in disease. Therefore, it has been classified as a Variant of Uncertain Significance. ClinVar contains an entry for this variant (Variation ID: 1348575). This variant has not been reported in the literature in individuals affected with COG5-related conditions. This variant is present in population databases (no rsID available, gnomAD 0.003%). This sequence change replaces arginine, which is basic and polar, with tryptophan, which is neutral and slightly polar, at codon 748 of the COG5 protein (p.Arg748Trp).

NM_006348.5(COG5):c.2149C>T (p.Arg717Trp)

Gene: COG5 (component of oligomeric golgi complex 5; minus strand). Cytogenetic location: 7q22.3.
Variant type: single nucleotide variant.
Coding change: c.2149C>T on transcript NM_006348.5 (MANE Select); coding-DNA position 2149, C replaced by T.
Protein change: p.Arg717Trp; replaces arginine 717 with tryptophan.
Molecular consequence: missense variant. On other transcripts: intron variant (1).
Genome position (GRCh38, 1-based): chr7:107,230,634, G>A on the plus strand (C>T on the coding strand, the complement: COG5 is on the minus strand). VCF-style: chr7-107230634-G-A. GRCh37 (hg19) VCF-style: chr7-106871079-G-A.
Other names: c.2149C>T, p.Arg717Trp (NM_001161520.2, NM_001379513.1); c.1987C>T, p.Arg663Trp (NM_001379511.1); c.1975C>T, p.Arg659Trp (NM_001379512.1); c.1579C>T, p.Arg527Trp (NM_001379515.1); c.1435C>T, p.Arg479Trp (NM_001379516.1); c.2086C>T, p.Arg696Trp (NM_181733.4); c.1853+17762C>T (NM_001379514.1); short protein forms R659W, R663W, R696W, R479W, R527W, R717W.
Identifiers: ClinVar variation 1348575 (VCV001348575.8), dbSNP rs939793014, ClinGen allele CA164681657.